The following is an entry in ClinVar:

NM_024411.5(PDYN):c.530G>A (p.Gly177Asp)

Genes: PDYN (prodynorphin; minus strand), PDYN-AS1 (PDYN antisense RNA 1; plus strand). Cytogenetic location: 20p13.
Variant type: single nucleotide variant.
Coding change: c.530G>A on transcript NM_024411.5 (MANE Select); coding-DNA position 530, G replaced by A.
Protein change: p.Gly177Asp; replaces glycine 177 with aspartic acid.
Molecular consequence: missense variant.
Genome position (GRCh38, 1-based): chr20:1,980,558, C>T on the plus strand (G>A on the coding strand, the complement: PDYN is on the minus strand). VCF-style: chr20-1980558-C-T. GRCh37 (hg19) VCF-style: chr20-1961204-C-T.
Other names: c.530G>A, p.Gly177Asp (NM_001190892.1, NM_001190898.3, NM_001190899.2 and 1 more transcripts); short protein forms G177D.
Identifiers: ClinVar variation 1401170 (VCV001401170.6), dbSNP rs781094877, ClinGen allele CA9730281.

ClinVar aggregate classification (germline): Uncertain significance (1 of 4 stars; one submission).

Allele frequency attached by ClinVar (database versions not stated): ExAC 0.00001; gnomAD exomes 0.00001.
gnomAD v4.1: 4 of 1,614,072 alleles (0.00025%); highest among the groups gnomAD compares: Admixed American, 0.005%; no homozygotes.

Submission:

Labcorp Genetics (formerly Invitae), Labcorp
Classification: Uncertain significance. Last evaluated: 2025-04-11. Review status: criteria provided, single submitter. Criteria: Invitae Variant Classification Sherloc (09022015). Collection method: clinical testing. Allele origin: germline.
Comment: This sequence change replaces glycine, which is neutral and non-polar, with aspartic acid, which is acidic and polar, at codon 177 of the PDYN protein (p.Gly177Asp). This variant is present in population databases (rs781094877, gnomAD 0.006%). This variant has not been reported in the literature in individuals affected with PDYN-related conditions. ClinVar contains an entry for this variant (Variation ID: 1401170). Invitae Evidence Modeling of protein sequence and biophysical properties (such as structural, functional, and spatial information, amino acid conservation, physicochemical variation, residue mobility, and thermodynamic stability) indicates that this missense variant is expected to disrupt PDYN protein function with a positive predictive value of 80%. In summary, the available evidence is currently insufficient to determine the role of this variant in disease. Therefore, it has been classified as a Variant of Uncertain Significance.